The following is an entry in ClinVar:

ClinVar aggregate classification (germline): Uncertain significance. Review status: criteria provided, multiple submitters, no conflicts (2 of 4 stars). 6 submissions from 6 submitters: Uncertain significance (6). Last evaluated 2026-02-11.

Conditions:
KIF1B-related disorder. Also called: KIF1B-related condition.
Charcot-Marie-Tooth disease type 2A1. Also called: CHARCOT-MARIE-TOOTH DISEASE, AXONAL, AUTOSOMAL DOMINANT, TYPE 2A1; CHARCOT-MARIE-TOOTH DISEASE, NEURONAL, TYPE 2A1; CHARCOT-MARIE-TOOTH NEUROPATHY, TYPE 2A1; HEREDITARY MOTOR AND SENSORY NEUROPATHY IIA1; CHARCOT-MARIE-TOOTH DISEASE, AXONAL, TYPE 2A1. Identifiers: Orphanet 99946, MedGen C1861678, MONDO:0007308, OMIM 118210.
Neuroblastoma, susceptibility to, 1. Identifiers: MedGen C2749485, MONDO:0009741, OMIM 256700.
Charcot-Marie-Tooth disease type 2. Also called: Charcot-Marie-Tooth type 2. Identifiers: Orphanet 64746, MedGen C0270914, MONDO:0018993.

Allele frequency attached by ClinVar (database versions not stated): ESP Exome Variant Server 0.00008; gnomAD exomes below 0.00001; TOPMed below 0.00001; ExAC 0.00001; gnomAD 0.00001.
gnomAD v4.1: 5 of 1,610,920 alleles (0.00031%); highest among the groups gnomAD compares: Admixed American, 0.0017%; no homozygotes.

Submissions (6):

St. Jude Molecular Pathology, St. Jude Children's Research Hospital
Classification: Uncertain significance for Neuroblastoma, susceptibility to, 1. Last evaluated: 2026-02-11. Review status: criteria provided, single submitter. Criteria: St. Jude Assertion Criteria 2020. Collection method: clinical testing. Allele origin: germline.
Comment: The KIF1B c.791G>A p.(Arg264Gln) missense change has a maximum subpopulation frequency of 0.0 009% in gnomAD v2.1.1. The in silico tool REVEL predicts a deleterious effect on protein function, but to our knowledge this prediction has not been confirmed by functional studies. To our knowledge, this variant has n ot been reported in individuals with pheochromocytoma or neuroblastoma. In summary, the evidence currently available is insufficient to determine the clinical significance of this variant. It has therefore been classified as of uncertain significance.

Labcorp Genetics (formerly Invitae), Labcorp
Classification: Uncertain significance for Charcot-Marie-Tooth disease type 2. Last evaluated: 2025-12-08. Review status: criteria provided, single submitter. Criteria: Invitae Variant Classification Sherloc (09022015). Collection method: clinical testing. Allele origin: germline.
Comment: This sequence change replaces arginine, which is basic and polar, with glutamine, which is neutral and polar, at codon 264 of the KIF1B protein (p.Arg264Gln). This variant is present in population databases (rs376807805, gnomAD 0.0009%). This variant has not been reported in the literature in individuals affected with KIF1B-related conditions. ClinVar contains an entry for this variant (Variation ID: 476790). Invitae Evidence Modeling of protein sequence and biophysical properties (such as structural, functional, and spatial information, amino acid conservation, physicochemical variation, residue mobility, and thermodynamic stability) indicates that this missense variant is expected to disrupt KIF1B protein function with a positive predictive value of 80%. In summary, the available evidence is currently insufficient to determine the role of this variant in disease. Therefore, it has been classified as a Variant of Uncertain Significance.

PreventionGenetics, part of Exact Sciences
Classification: Uncertain significance for KIF1B-related condition. Last evaluated: 2025-02-25. Review status: criteria provided, single submitter. Criteria: ACMG Guidelines, 2015. Collection method: clinical testing. Allele origin: germline.
Comment: The KIF1B c.791G>A variant is predicted to result in the amino acid substitution p.Arg264Gln. To our knowledge, this variant has not been reported in the literature. This variant is reported in 0.00088% of alleles in individuals of European (Non-Finnish) descent in gnomAD. At this time, the clinical significance of this variant is uncertain due to the absence of conclusive functional and genetic evidence.

Ambry Genetics
Classification: Uncertain significance. Last evaluated: 2025-01-09. Review status: criteria provided, single submitter. Criteria: Ambry Variant Classification Scheme 2023. Collection method: clinical testing. Allele origin: germline.
Comment: The p.R264Q variant (also known as c.791G>A), located in coding exon 7 of the KIF1B gene, results from a G to A substitution at nucleotide position 791. The arginine at codon 264 is replaced by glutamine, an amino acid with highly similar properties. This amino acid position is highly conserved in available vertebrate species. In addition, this alteration is predicted to be deleterious by in silico analysis. Based on the available evidence, the clinical significance of this variant remains unclear.

Fulgent Genetics
Classification: Uncertain significance for Charcot-Marie-Tooth disease type 2A1; Neuroblastoma, susceptibility to, 1. Last evaluated: 2024-04-25. Review status: criteria provided, single submitter. Criteria: ACMG Guidelines, 2015. Collection method: clinical testing. Allele origin: germline.

Revvity Omics, Revvity
Classification: Uncertain significance for Charcot-Marie-Tooth disease type 2A1. Last evaluated: 2022-01-28. Review status: criteria provided, single submitter. Criteria: ACMG Guidelines, 2015. Collection method: clinical testing. Allele origin: germline.

NM_001365951.3(KIF1B):c.791G>A (p.Arg264Gln)

Gene: KIF1B (kinesin family member 1B; plus strand). Cytogenetic location: 1p36.22.
Variant type: single nucleotide variant.
Coding change: c.791G>A on transcript NM_001365951.3 (MANE Select); coding-DNA position 791, G replaced by A.
Protein change: p.Arg264Gln; replaces arginine 264 with glutamine.
Molecular consequence: missense variant.
Genome position (GRCh38, 1-based): chr1:10,271,572, G>A. VCF-style: chr1-10271572-G-A. GRCh37 (hg19) VCF-style: chr1-10331630-G-A.
Other names: c.791G>A, p.Arg264Gln (NM_001365952.1, NM_001365953.1, NM_015074.3 and 1 more transcripts); short protein forms R264Q.
Identifiers: ClinVar variation 476790 (VCV000476790.16), dbSNP rs376807805, ClinGen allele CA580780.